The following is an entry in ClinVar:

ClinVar aggregate classification (germline): Conflicting classifications of pathogenicity. Review status: criteria provided, conflicting classifications (1 of 4 stars). 7 submissions from 7 submitters: Uncertain significance (1); Likely benign (6). Last evaluated 2026-01-01.

Conditions:
Catecholaminergic polymorphic ventricular tachycardia (CVPT). Also called: Catecholamine-induced polymorphic ventricular tachycardia. Identifiers: Orphanet 3286, MedGen C5574922, MONDO:0017990.
Cardiomyopathy (CMYO). Also called: Cardiomyopathies. Identifiers: Orphanet 167848, MedGen C0878544, MONDO:0004994, HP:0001638. Inheritance: Various modes of inheritance.
Catecholaminergic polymorphic ventricular tachycardia 1. Also called: RYR2-Related Catecholaminergic Polymorphic Ventricular Tachycardia; VENTRICULAR TACHYCARDIA, STRESS-INDUCED POLYMORPHIC 1; VENTRICULAR TACHYCARDIA, CATECHOLAMINERGIC POLYMORPHIC, 1, WITH OR WITHOUT ATRIAL DYSFUNCTION AND/OR DILATED CARDIOMYOPATHY. Identifiers: Orphanet 3286, MedGen C1631597, MONDO:0011484, OMIM 604772.
Cardiovascular phenotype. Identifiers: MedGen CN230736.

Allele frequency attached by ClinVar (database versions not stated): TOPMed 0.00002; gnomAD 0.00007 and 0.00009; ESP Exome Variant Server 0.00008; gnomAD exomes 0.00013; ExAC 0.00025; 1000 Genomes Project 0.00040; 1000 Genomes Project 30x 0.00047.
gnomAD v4.1: 105 of 1,609,470 alleles (0.0065%); highest among the groups gnomAD compares: Middle Eastern, 0.017%; 1 homozygote.

Submissions (7):

CeGaT Center for Human Genetics Tuebingen
Classification: Likely benign. Last evaluated: 2026-01-01. Review status: criteria provided, single submitter. Criteria: CeGaT Center For Human Genetics Tuebingen Variant Classification Criteria Version 2. Collection method: clinical testing. Allele origin: germline. Affected: yes. Observed: 1 variant allele.
Comment: RYR2: BS2

Labcorp Genetics (formerly Invitae), Labcorp
Classification: Likely benign for Catecholaminergic polymorphic ventricular tachycardia 1. Last evaluated: 2025-10-20. Review status: criteria provided, single submitter. Criteria: Invitae Variant Classification Sherloc (09022015). Collection method: clinical testing. Allele origin: germline.

Women's Health and Genetics/Laboratory Corporation of America, LabCorp
Classification: Likely benign. Last evaluated: 2025-06-23. Review status: criteria provided, single submitter. Criteria: LabCorp Variant Classification Summary - May 2015. Collection method: clinical testing. Allele origin: germline.
Comment: Variant summary: RYR2 c.7495G>A (p.Ala2499Thr) results in a non-conservative amino acid change in the encoded protein sequence. Algorithms developed to predict the effect of missense changes on protein structure and function all suggest that this variant is likely to be disruptive. The variant allele was found at a frequency of 0.00013 in 241412 control chromosomes. The observed variant frequency is approximately 3.74 fold of the estimated maximal expected allele frequency for a pathogenic variant in RYR2 causing Catecholaminergic Polymorphic Ventricular Tachycardia phenotype (3.4e-05). c.7495G>A has been observed in individual(s) affected with arrhythmia and sudden cardiac death, without strong evidence for causality (Vahatalo_2022, Aschner_2024). These report(s) do not provide unequivocal conclusions about association of the variant with Catecholaminergic Polymorphic Ventricular Tachycardia. To our knowledge, no experimental evidence demonstrating an impact on protein function has been reported. The following publications have been ascertained in the context of this evaluation (PMID: 35087879, 38756210). ClinVar contains an entry for this variant (Variation ID: 928162). Based on the evidence outlined above, the variant was classified as likely benign.

Blueprint Genetics
Classification: Likely benign. Last evaluated: 2024-09-30. Review status: criteria provided, single submitter. Criteria: ACMG Guidelines, 2015. Collection method: clinical testing. Allele origin: germline.

All of Us Research Program, National Institutes of Health
Classification: Uncertain significance for Catecholaminergic polymorphic ventricular tachycardia. Last evaluated: 2024-09-23. Review status: criteria provided, single submitter. Criteria: ACMG Guidelines, 2015. Collection method: clinical testing. Allele origin: germline. Inheritance: Autosomal dominant inheritance. Observed: 19 variant alleles, 19 heterozygotes.
Comment: This missense variant replaces alanine with threonine at codon 2499 of the RYR2 protein. Computational prediction suggests that this variant may have deleterious impact on protein structure and function (internally defined REVEL score threshold >= 0.7, PMID: 27666373). To our knowledge, functional studies have not been reported for this variant. This variant has been reported in an individual affected with sudden cardiac death with primary myocardial fibrosis (PMID: 29915098). This variant has been identified in 33/272796 chromosomes in the general population by the Genome Aggregation Database (gnomAD). The available evidence is insufficient to determine the role of this variant in disease conclusively. Therefore, this variant is classified as a Variant of Uncertain Significance.

This study involves interpretation of variants in research participants for the purpose of population health screening. Participant phenotype was not available at the time of variant classification. Additional details can be found in publication PMID: 35346344, PMCID: PMC8962531

Color Diagnostics, LLC DBA Color Health
Classification: Likely benign for Cardiomyopathy. Last evaluated: 2024-09-20. Review status: criteria provided, single submitter. Criteria: ACMG Guidelines, 2015. Collection method: clinical testing. Allele origin: germline.

Ambry Genetics
Classification: Likely benign for Cardiovascular phenotype. Last evaluated: 2023-10-11. Review status: criteria provided, single submitter. Criteria: Ambry Variant Classification Scheme 2023. Collection method: clinical testing. Allele origin: germline.

Literature cited by the submitters: PubMed 35087879 (cited by Women's Health and Genetics/Laboratory Corporation of America, LabCorp); PubMed 38756210 (cited by Women's Health and Genetics/Laboratory Corporation of America, LabCorp); PubMed 29915098 (cited by All of Us Research Program, National Institutes of Health and Ambry Genetics).

NM_001035.3(RYR2):c.7495G>A (p.Ala2499Thr)

Gene: RYR2 (ryanodine receptor 2; plus strand). Cytogenetic location: 1q43.
Variant type: single nucleotide variant.
Coding change: c.7495G>A on transcript NM_001035.3 (MANE Select); coding-DNA position 7495, G replaced by A.
Protein change: p.Ala2499Thr; replaces alanine 2499 with threonine.
Molecular consequence: missense variant.
Genome position (GRCh38, 1-based): chr1:237,648,596, G>A. VCF-style: chr1-237648596-G-A. GRCh37 (hg19) VCF-style: chr1-237811896-G-A.
Other names: c.7495G>A (NM_001035.2); short protein forms A2499T.
Identifiers: ClinVar variation 928162 (VCV000928162.25), dbSNP rs191850147, ClinGen allele CA087398.